The following is an entry in ClinVar:

NM_001379500.1(COL18A1):c.3155T>A (p.Ile1052Asn)

Genes: COL18A1 (collagen type XVIII alpha 1 chain; plus strand), SLC19A1 (solute carrier family 19 member 1; minus strand). Cytogenetic location: 21q22.3.
Variant type: single nucleotide variant.
Coding change: c.3155T>A on transcript NM_001379500.1 (MANE Select); coding-DNA position 3155, T replaced by A.
Protein change: p.Ile1052Asn; replaces isoleucine 1052 with asparagine.
Molecular consequence: missense variant.
Genome position (GRCh38, 1-based): chr21:45,505,905, T>A. VCF-style: chr21-45505905-T-A. GRCh37 (hg19) VCF-style: chr21-46925819-T-A.
Other names: c.3686T>A, p.Ile1229Asn (NM_030582.4); c.4391T>A, p.Ile1464Asn (NM_130444.3); short protein forms I1229N, I1052N, I1464N.
Identifiers: ClinVar variation 1468795 (VCV001468795.6), dbSNP rs1452110458, ClinGen allele CA410499959.
Genomic context (GRCh38, chr21:45,505,905, plus strand): 5'-TCTGGGCTACACGCCAGGCCATGCTGGGCCAGGTGCACGAGGTTCCCGAGGGCTGGCTCA[T>A]CTTCGTGGCCGAGCAGGAGGAGCTCTACGTCCGCGTGCAGAACGGGTTCCGGAAGGTCCA-3'
Protein context (NP_001366429.1, residues 1042-1062): QVHEVPEGWL[Ile1052Asn]FVAEQEELYV

ClinVar aggregate classification (germline): Uncertain significance (1 of 4 stars; one submission).

Allele frequency attached by ClinVar (database versions not stated): gnomAD exomes below 0.00001.
gnomAD v4.1: 1 of 1,612,732 alleles (0.000062%); highest among the groups gnomAD compares: Admixed American, 0.0017%; no homozygotes.

Submission:

Labcorp Genetics (formerly Invitae), Labcorp
Classification: Uncertain significance. Last evaluated: 2024-02-24. Review status: criteria provided, single submitter. Criteria: Invitae Variant Classification Sherloc (09022015). Collection method: clinical testing. Allele origin: germline.
Comment: This sequence change replaces isoleucine with asparagine at codon 1049 of the COL18A1 protein (p.Ile1049Asn). There is a large physicochemical difference between isoleucine and asparagine. This variant is present in population databases (no rsID available, gnomAD 0.003%). This variant has not been reported in the literature in individuals affected with COL18A1-related conditions. ClinVar contains an entry for this variant (Variation ID: 1468795). Experimental studies and prediction algorithms are not available or were not evaluated, and the functional significance of this variant is currently unknown. In summary, the available evidence is currently insufficient to determine the role of this variant in disease. Therefore, it has been classified as a Variant of Uncertain Significance.